The following is an entry in ClinVar:

ClinVar aggregate classification (germline): Uncertain significance. Review status: criteria provided, multiple submitters, no conflicts (2 of 4 stars). 2 submissions from 2 submitters: Uncertain significance (2). Last evaluated 2024-01-22.

Conditions:
PIK3R2-related disorder. Also called: PIK3R2-related condition.
Megalencephaly-polymicrogyria-postaxial polydactyly-hydrocephalus syndrome. Also called: MEG-PMG-MEGACC SYNDROME; MPPH Syndrome. Identifiers: Orphanet 83473, MedGen C1863924, MONDO:0019375.

Submissions (2):

Labcorp Genetics (formerly Invitae), Labcorp
Classification: Uncertain significance for Megalencephaly-polymicrogyria-postaxial polydactyly-hydrocephalus syndrome. Last evaluated: 2024-01-22. Review status: criteria provided, single submitter. Criteria: Invitae Variant Classification Sherloc (09022015). Collection method: clinical testing. Allele origin: germline.
Comment: This variant, c.780_797dup, results in the insertion of 6 amino acid(s) of the PIK3R2 protein (p.Pro261_Pro266dup), but otherwise preserves the integrity of the reading frame. This variant is present in population databases (no rsID available, gnomAD 0.007%). This variant has not been reported in the literature in individuals affected with PIK3R2-related conditions. ClinVar contains an entry for this variant (Variation ID: 2056861). Experimental studies and prediction algorithms are not available or were not evaluated, and the functional significance of this variant is currently unknown. In summary, the available evidence is currently insufficient to determine the role of this variant in disease. Therefore, it has been classified as a Variant of Uncertain Significance.

PreventionGenetics, part of Exact Sciences
Classification: Uncertain significance for PIK3R2-related condition. Last evaluated: 2023-05-17. Review status: criteria provided, single submitter. Criteria: ACMG Guidelines, 2015. Collection method: clinical testing. Allele origin: germline.
Comment: The PIK3R2 c.780_797dup18 variant is predicted to result in an in-frame duplication (p.Pro261_Pro266dup). To our knowledge, this variant has not been reported in the literature. This variant is reported in 0.0068% of alleles in individuals of European (Non-Finnish) descent in gnomAD. At this time, the clinical significance of this variant is uncertain due to the absence of conclusive functional and genetic evidence.

NM_005027.4(PIK3R2):c.780_797dup (p.Pro266_Gly267insProSerSerProProPro)

Genes: PIK3R2 (phosphoinositide-3-kinase regulatory subunit 2; plus strand), LOC130063979 (ATAC-STARR-seq lymphoblastoid silent region 10375; plus strand). Cytogenetic location: 19p13.11.
Variant type: Duplication.
Coding change: c.780_797dup on transcript NM_005027.4 (MANE Select); coding-DNA positions 780 to 797, 18 bases duplicated (GCCGTCCTCGCCGCCGCC).
Protein change: p.Pro266_Gly267insProSerSerProProPro.
Molecular consequence: inframe insertion. On other transcripts: non-coding transcript variant (1).
Genome position (GRCh38, 1-based): chr19:18,161,460-18,161,477, GCCGTCCTCGCCGCCGCC duplicated; duplicating any 18 consecutive bases within chr19:18,161,450-18,161,477 gives the same sequence; the c. name uses the placement nearest the transcript's 3' end. VCF-style (leftmost placement, unchanged base first): chr19-18161449-G-GCGCCGCCGCCGCCGTCCT. GRCh37 (hg19) VCF-style: chr19-18272259-G-GCGCCGCCGCCGCCGTCCT.
Other names: c.780_797dup18 (NM_005027.3).
Identifiers: ClinVar variation 2056861 (VCV002056861.5), dbSNP rs1555814260, ClinGen allele CA506108833.